The following is an entry in ClinVar:

NM_001042492.3(NF1):c.7610T>C (p.Leu2537Ser)

Gene: NF1 (neurofibromin 1; plus strand). Cytogenetic location: 17q11.2.
Variant type: single nucleotide variant.
Coding change: c.7610T>C on transcript NM_001042492.3 (MANE Select); coding-DNA position 7610, T replaced by C.
Protein change: p.Leu2537Ser; replaces leucine 2537 with serine.
Molecular consequence: missense variant.
Genome position (GRCh38, 1-based): chr17:31,352,409, T>C. VCF-style: chr17-31352409-T-C. GRCh37 (hg19) VCF-style: chr17-29679427-T-C.
Other names: c.7547T>C, p.Leu2516Ser (NM_000267.4); short protein forms L2516S, L2537S.
Identifiers: ClinVar variation 230622 (VCV000230622.5), dbSNP rs876658670, ClinGen allele CA10580414.

ClinVar aggregate classification (germline): Uncertain significance. Review status: criteria provided, multiple submitters, no conflicts (2 of 4 stars). 3 submissions from 2 submitters: Uncertain significance (3). Last evaluated 2025-02-19.

Conditions:
Cardiovascular phenotype. Identifiers: MedGen CN230736.
Hereditary cancer-predisposing syndrome. Also called: Hereditary Cancer Syndrome; Neoplastic Syndromes, Hereditary; Tumor predisposition; Hereditary neoplastic syndrome. Identifiers: Orphanet 140162, MedGen C0027672, MeSH D009386, MONDO:0015356.
Neurofibromatosis, type 1 (NF1). Also called: Neurofibromatosis, type I; VON RECKLINGHAUSEN DISEASE; NEUROFIBROMATOSIS, TYPE I, SOMATIC; Peripheral type neurofibromatosis. Identifiers: Orphanet 636, MedGen C0027831, MONDO:0018975, OMIM 162200. Disease mechanism: loss of function.

Submissions (3):

Labcorp Genetics (formerly Invitae), Labcorp
Classification: Uncertain significance for Neurofibromatosis, type 1. Last evaluated: 2025-02-19. Review status: criteria provided, single submitter. Criteria: Invitae Variant Classification Sherloc (09022015). Collection method: clinical testing. Allele origin: germline.
Comment: This sequence change replaces leucine, which is neutral and non-polar, with serine, which is neutral and polar, at codon 2516 of the NF1 protein (p.Leu2516Ser). This variant is not present in population databases (gnomAD no frequency). This variant has not been reported in the literature in individuals affected with NF1-related conditions. ClinVar contains an entry for this variant (Variation ID: 230622). Invitae Evidence Modeling of protein sequence and biophysical properties (such as structural, functional, and spatial information, amino acid conservation, physicochemical variation, residue mobility, and thermodynamic stability) indicates that this missense variant is expected to disrupt NF1 protein function with a positive predictive value of 95%. In summary, the available evidence is currently insufficient to determine the role of this variant in disease. Therefore, it has been classified as a Variant of Uncertain Significance.

Ambry Genetics
Classification: Uncertain significance for Cardiovascular phenotype; Hereditary cancer-predisposing syndrome. Last evaluated: 2017-04-03. Review status: criteria provided, single submitter. Criteria: Ambry Variant Classification Scheme 2023. Collection method: clinical testing. Allele origin: germline.

Ambry Genetics
Classification: Uncertain significance for Hereditary cancer-predisposing syndrome. Last evaluated: 2015-02-27. Review status: criteria provided, single submitter. Criteria: Ambry Autosomal Dominant and X-Linked criteria (10/2015). Collection method: clinical testing. Allele origin: germline. Observed: 1 variant allele.
Comment: The p.L2537S variant (also known as c.7610T>C), located in coding exon 51 of the NF1 gene, results from a T to C substitution at nucleotide position 7610. The leucine at codon 2537 is replaced by serine, an amino acid with dissimilar properties. This variant was not reported in population based cohorts in the following databases: Database of Single Nucleotide Polymorphisms (dbSNP), NHLBI Exome Sequencing Project (ESP), and 1000 Genomes Project. In the ESP, this variant was not observed in 6503 samples (13006 alleles) with coverage at this position. To date, this alteration has been detected with an allele frequency of approximately 0.003% (greater than 30000 alleles tested) in our clinical cohort.This amino acid position is highly conserved in available vertebrate species. In addition, the in silico prediction for this alteration is inconclusive. Since supporting evidence is limited at this time, the clinical significance of p.L2537Sremains unclear.